The following is an entry in ClinVar:

ClinVar aggregate classification (germline): Uncertain significance (1 of 4 stars; one submission).

Conditions:
Hereditary cancer-predisposing syndrome. Also called: Neoplastic Syndromes, Hereditary; Tumor predisposition; Hereditary Cancer Syndrome; Hereditary neoplastic syndrome. Identifiers: Orphanet 140162, MedGen C0027672, MeSH D009386, MONDO:0015356.

Allele frequency attached by ClinVar (database versions not stated): gnomAD exomes below 0.00001.
gnomAD v4.1: 1 of 1,614,090 alleles (0.000062%); highest among the groups gnomAD compares: Non-Finnish European, 0.000085%; no homozygotes.

Submission:

Ambry Genetics
Classification: Uncertain significance for Hereditary cancer-predisposing syndrome. Last evaluated: 2020-02-26. Review status: criteria provided, single submitter. Criteria: Ambry Variant Classification Scheme 2023. Collection method: clinical testing. Allele origin: germline.
Comment: The p.A2864T variant (also known as c.8590G>A), located in coding exon 19 of the BRCA2 gene, results from a G to A substitution at nucleotide position 8590. The alanine at codon 2864 is replaced by threonine, an amino acid with similar properties. This amino acid position is not well conserved in available vertebrate species. In addition, this alteration is predicted to be tolerated by in silico analysis. Since supporting evidence is limited at this time, the clinical significance of this alteration remains unclear.

NM_000059.4(BRCA2):c.8590G>A (p.Ala2864Thr)

Gene: BRCA2 (BRCA2 DNA repair associated; plus strand). Cytogenetic location: 13q13.1.
Variant type: single nucleotide variant.
Coding change: c.8590G>A on transcript NM_000059.4 (MANE Select); coding-DNA position 8590, G replaced by A.
Protein change: p.Ala2864Thr; replaces alanine 2864 with threonine.
Molecular consequence: missense variant.
Genome position (GRCh38, 1-based): chr13:32,371,058, G>A. VCF-style: chr13-32371058-G-A. GRCh37 (hg19) VCF-style: chr13-32945195-G-A.
Other names: c.8494G>A, p.Ala2832Thr (NM_001406719.1); c.8590G>A, p.Ala2864Thr (NM_001406720.1); c.3658G>A, p.Ala1220Thr (NM_001406721.1); c.2173G>A, p.Ala725Thr (NM_001406722.1); short protein forms A725T, A2832T, A1220T, A2864T.
Identifiers: ClinVar variation 1763957 (VCV001763957.2), dbSNP rs1331784222, ClinGen allele CA387752860.